The following is an entry in ClinVar:

NM_207122.2(EXT2):c.*795C>A

Gene: EXT2 (exostosin glycosyltransferase 2; plus strand). Cytogenetic location: 11p11.2.
Variant type: single nucleotide variant.
Coding change: c.*795C>A on transcript NM_207122.2 (MANE Select); 795 bases downstream of the stop codon, C replaced by A.
Molecular consequence: 3 prime UTR variant.
Genome position (GRCh38, 1-based): chr11:44,245,082, C>A. VCF-style: chr11-44245082-C-A. GRCh37 (hg19) VCF-style: chr11-44266632-C-A.
Other names: c.*795C>A (NM_000401.3, NM_001178083.3, NM_001389628.1 and 1 more transcripts).
Identifiers: ClinVar variation 304605 (VCV000304605.5), dbSNP rs76505631, ClinGen allele CA10639071.

ClinVar aggregate classification (germline): Benign (1 of 4 stars; one submission).

Conditions:
Exostoses, multiple, type 2 (EXT2). Also called: Hereditary Multiple Osteochondromatosis, Type II; EXOSTOSES, MULTIPLE, TYPE II. Identifiers: Orphanet 321, MedGen C1851413, MONDO:0007586, OMIM 133701.

Allele frequency attached by ClinVar (database versions not stated): gnomAD exomes 0.00126; 1000 Genomes Project 30x 0.00500; 1000 Genomes Project 0.00519; TOPMed 0.00628.
gnomAD v4.1: 948 of 230,806 alleles (0.41%); highest among the groups gnomAD compares: African/African-American, 1.9%; 16 homozygotes.

Submission:

Illumina Laboratory Services, Illumina
Classification: Benign for Exostoses, multiple, type 2. Last evaluated: 2018-01-13. Review status: criteria provided, single submitter. Criteria: ICSL Variant Classification Criteria 13 December 2019. Collection method: clinical testing. Allele origin: germline.
Comment: This variant was observed in the ICSL laboratory as part of a predisposition screen in an ostensibly healthy population. It had not been previously curated by ICSL or reported in the Human Gene Mutation Database (HGMD: prior to June 1st, 2018), and was therefore a candidate for classification through an automated scoring system. Utilizing variant allele frequency, disease prevalence and penetrance estimates, and inheritance mode, an automated score was calculated to assess if this variant is too frequent to cause the disease. Based on the score and internal cut-off values, a variant classified as benign is not then subjected to further curation. The score for this variant resulted in a classification of benign for this disease.